The following is an entry in ClinVar:

ClinVar aggregate classification (germline): Uncertain significance (1 of 4 stars; one submission).

Allele frequency attached by ClinVar (database versions not stated): gnomAD 0.00001.
gnomAD v4.1: 1 of 1,613,960 alleles (0.000062%); highest among the groups gnomAD compares: South Asian, 0.0011%; no homozygotes.

Submission:

Labcorp Genetics (formerly Invitae), Labcorp
Classification: Uncertain significance. Last evaluated: 2021-05-21. Review status: criteria provided, single submitter. Criteria: Invitae Variant Classification Sherloc (09022015). Collection method: clinical testing. Allele origin: germline.
Comment: In summary, the available evidence is currently insufficient to determine the role of this variant in disease. Therefore, it has been classified as a Variant of Uncertain Significance. Algorithms developed to predict the effect of missense changes on protein structure and function (SIFT, PolyPhen-2, Align-GVGD) all suggest that this variant is likely to be disruptive, but these predictions have not been confirmed by published functional studies and their clinical significance is uncertain. This variant has not been reported in the literature in individuals with PTPRO-related conditions. This variant is not present in population databases (ExAC no frequency). This sequence change replaces arginine with threonine at codon 1018 of the PTPRO protein (p.Arg1018Thr). The arginine residue is highly conserved and there is a moderate physicochemical difference between arginine and threonine.

NM_030667.3(PTPRO):c.3053G>C (p.Arg1018Thr)

Gene: PTPRO (protein tyrosine phosphatase receptor type O; plus strand). Cytogenetic location: 12p12.3.
Variant type: single nucleotide variant.
Coding change: c.3053G>C on transcript NM_030667.3 (MANE Select); coding-DNA position 3053, G replaced by C.
Protein change: p.Arg1018Thr; replaces arginine 1018 with threonine.
Molecular consequence: missense variant.
Genome position (GRCh38, 1-based): chr12:15,580,752, G>C. VCF-style: chr12-15580752-G-C. GRCh37 (hg19) VCF-style: chr12-15733686-G-C.
Other names: c.2969G>C, p.Arg990Thr (NM_002848.4); c.536G>C, p.Arg179Thr (NM_030668.3, NM_030670.3); c.620G>C, p.Arg207Thr (NM_030669.3, NM_030671.3); short protein forms R1018T, R990T, R179T, R207T.
Identifiers: ClinVar variation 1355801 (VCV001355801.8), dbSNP rs1214450739, ClinGen allele CA384027991.